The following is an entry in ClinVar:

NM_005687.5(FARSB):c.340-18T>A

Gene: FARSB (phenylalanyl-tRNA synthetase subunit beta; minus strand). Cytogenetic location: 2q36.1.
Variant type: single nucleotide variant.
Coding change: c.340-18T>A on transcript NM_005687.5 (MANE Select); 18 bases into the intron before coding-DNA position 340, T replaced by A.
Molecular consequence: intron variant.
Genome position (GRCh38, 1-based): chr2:222,639,713, A>T on the plus strand (T>A on the coding strand, the complement: FARSB is on the minus strand). VCF-style: chr2-222639713-A-T. GRCh37 (hg19) VCF-style: chr2-223504432-A-T.
Identifiers: ClinVar variation 3628983 (VCV003628983.2).

ClinVar aggregate classification (germline): Uncertain significance (1 of 4 stars; one submission).

gnomAD v4.1: 24 of 1,234,142 alleles (0.0019%); highest among the groups gnomAD compares: Non-Finnish European, 0.0027%; no homozygotes.

Submission:

Labcorp Genetics (formerly Invitae), Labcorp
Classification: Uncertain significance. Last evaluated: 2024-12-11. Review status: criteria provided, single submitter. Criteria: Invitae Variant Classification Sherloc (09022015). Collection method: clinical testing. Allele origin: germline.
Comment: This sequence change falls in intron 4 of the FARSB gene. It does not directly change the encoded amino acid sequence of the FARSB protein. This variant is present in population databases (rs768054882, gnomAD 0.002%). This variant has not been reported in the literature in individuals affected with FARSB-related conditions. Algorithms developed to predict the effect of sequence changes on RNA splicing suggest that this variant may disrupt the consensus splice site. In summary, the available evidence is currently insufficient to determine the role of this variant in disease. Therefore, it has been classified as a Variant of Uncertain Significance.